The following is an entry in ClinVar:

NM_015100.4(POGZ):c.2556G>A (p.Trp852Ter)

Gene: POGZ (pogo transposable element derived with ZNF domain; minus strand). Cytogenetic location: 1q21.3.
Variant type: single nucleotide variant.
Coding change: c.2556G>A on transcript NM_015100.4 (MANE Select); coding-DNA position 2556, G replaced by A.
Protein change: p.Trp852Ter; replaces tryptophan 852 with a stop codon.
Molecular consequence: nonsense.
Genome position (GRCh38, 1-based): chr1:151,406,621, C>T on the plus strand (G>A on the coding strand, the complement: POGZ is on the minus strand). VCF-style: chr1-151406621-C-T. GRCh37 (hg19) VCF-style: chr1-151379097-C-T.
Other names: c.2529G>A, p.Trp843Ter (NM_001194937.2); c.2370G>A, p.Trp790Ter (NM_001194938.2); c.2271G>A, p.Trp757Ter (NM_145796.4); c.2397G>A, p.Trp799Ter (NM_207171.2); short protein forms W852*, W757*, W790*, W799*, W843*.
Identifiers: ClinVar variation 523834 (VCV000523834.2), dbSNP rs1553213268, ClinGen allele CA341952502.
Genomic context (GRCh38, chr1:151,406,621, plus strand): 5'-ACACACTGCAAACCAGAAATTAAATTGTGAGGTGAGTTTTTGTTACCTTGAGTGAGCTAT[C>T]CAAGTGAGTCCTATGGAAAATGAAACAACAAAAATAGTTAGCTCAGTGAAAAAATAAGCC-3'

ClinVar aggregate classification (germline): Pathogenic (1 of 4 stars; one submission).

Submission:

GeneDx
Classification: Pathogenic. Last evaluated: 2018-11-12. Review status: criteria provided, single submitter. Criteria: GeneDx Variant Classification (06012015). Collection method: clinical testing. Allele origin: germline. Affected: yes.
Comment: The W852X variant in the POGZ gene has not been reported previously as a pathogenic variant nor as a benign variant, to our knowledge. This variant is predicted to cause loss of normal protein function through protein truncation, as the last 559 amino acids of the POGZ protein are lost. Furthermore, the W852X variant is not observed in large population cohorts (Lek et al., 2016). We interpret W852X as a pathogenic variant.